The following is an entry in ClinVar:

NM_000321.3(RB1):c.905C>T (p.Ser302Phe)

Gene: RB1 (RB transcriptional corepressor 1; plus strand). Cytogenetic location: 13q14.2.
Variant type: single nucleotide variant.
Coding change: c.905C>T on transcript NM_000321.3 (MANE Select); coding-DNA position 905, C replaced by T.
Protein change: p.Ser302Phe; replaces serine 302 with phenylalanine.
Molecular consequence: missense variant.
Genome position (GRCh38, 1-based): chr13:48,364,937, C>T. VCF-style: chr13-48364937-C-T. GRCh37 (hg19) VCF-style: chr13-48939073-C-T.
Other names: short protein forms S302F.
Identifiers: ClinVar variation 822951 (VCV000822951.10), dbSNP rs1208736713, ClinGen allele CA388159997.

ClinVar aggregate classification (germline): Uncertain significance. Review status: criteria provided, multiple submitters, no conflicts (2 of 4 stars). 3 submissions from 3 submitters: Uncertain significance (3). Last evaluated 2024-03-05.

Conditions:
Hereditary cancer-predisposing syndrome. Also called: Tumor predisposition; Hereditary Cancer Syndrome; Neoplastic Syndromes, Hereditary; Hereditary neoplastic syndrome. Identifiers: Orphanet 140162, MedGen C0027672, MeSH D009386, MONDO:0015356.
Retinoblastoma (RB1). Also called: RETINOBLASTOMA, SOMATIC. Identifiers: Orphanet 790, MedGen C0035335, MeSH D012175, MONDO:0008380, OMIM 180200, HP:0009919. Disease mechanism: loss of function. Inheritance: Both sporadic and heritable forms are tested..

Allele frequency attached by ClinVar (database versions not stated): gnomAD 0.00001.

Submissions (3):

All of Us Research Program, National Institutes of Health
Classification: Uncertain significance for Retinoblastoma. Last evaluated: 2024-03-05. Review status: criteria provided, single submitter. Criteria: ACMG Guidelines, 2015. Collection method: clinical testing. Allele origin: germline. Inheritance: Autosomal dominant inheritance. Observed: 1 variant allele, 1 heterozygote.
Comment: This missense variant replaces serine with phenylalanine at codon 302 of the RB1 protein. Computational prediction suggests that this variant may have deleterious impact on protein structure and function (internally defined REVEL score threshold >= 0.7, PMID: 27666373). To our knowledge, functional studies have not been reported for this variant. This variant has not been reported in individuals affected with hereditary cancer in the literature. This variant has not been identified in the general population by the Genome Aggregation Database (gnomAD). The available evidence is insufficient to determine the role of this variant in disease conclusively. Therefore, this variant is classified as a Variant of Uncertain Significance.

This study involves interpretation of variants in research participants for the purpose of population health screening. Participant phenotype was not available at the time of variant classification. Additional details can be found in publication PMID: 35346344, PMCID: PMC8962531

Labcorp Genetics (formerly Invitae), Labcorp
Classification: Uncertain significance for Retinoblastoma. Last evaluated: 2024-02-27. Review status: criteria provided, single submitter. Criteria: Invitae Variant Classification Sherloc (09022015). Collection method: clinical testing. Allele origin: germline.
Comment: This sequence change replaces serine, which is neutral and polar, with phenylalanine, which is neutral and non-polar, at codon 302 of the RB1 protein (p.Ser302Phe). This variant is not present in population databases (gnomAD no frequency). This variant has not been reported in the literature in individuals affected with RB1-related conditions. ClinVar contains an entry for this variant (Variation ID: 822951). Advanced modeling of protein sequence and biophysical properties (such as structural, functional, and spatial information, amino acid conservation, physicochemical variation, residue mobility, and thermodynamic stability) performed at Invitae indicates that this missense variant is not expected to disrupt RB1 protein function with a negative predictive value of 80%. In summary, the available evidence is currently insufficient to determine the role of this variant in disease. Therefore, it has been classified as a Variant of Uncertain Significance.

Ambry Genetics
Classification: Uncertain significance for Hereditary cancer-predisposing syndrome. Last evaluated: 2023-10-23. Review status: criteria provided, single submitter. Criteria: Ambry Variant Classification Scheme 2023. Collection method: clinical testing. Allele origin: germline.
Comment: The p.S302F variant (also known as c.905C>T), located in coding exon 9 of the RB1 gene, results from a C to T substitution at nucleotide position 905. The serine at codon 302 is replaced by phenylalanine, an amino acid with highly dissimilar properties. This amino acid position is highly conserved in available vertebrate species. In addition, this alteration is predicted to be deleterious by in silico analysis. Since supporting evidence is limited at this time, the clinical significance of this alteration remains unclear.